The following is an entry in ClinVar:

ClinVar aggregate classification (germline): Conflicting classifications of pathogenicity. Review status: criteria provided, conflicting classifications (1 of 4 stars). 3 submissions from 3 submitters: Uncertain significance (2); Likely benign (1). Last evaluated 2024-03-08.

Conditions:
Hereditary cancer-predisposing syndrome. Also called: Neoplastic Syndromes, Hereditary; Tumor predisposition; Hereditary Cancer Syndrome; Hereditary neoplastic syndrome. Identifiers: Orphanet 140162, MedGen C0027672, MeSH D009386, MONDO:0015356.

Submissions (3):

Ambry Genetics
Classification: Uncertain significance for Hereditary cancer-predisposing syndrome. Last evaluated: 2024-03-08. Review status: criteria provided, single submitter. Criteria: Ambry Variant Classification Scheme 2023. Collection method: clinical testing. Allele origin: germline.
Comment: The p.K719T variant (also known as c.2156A>C), located in coding exon 9 of the BRCA1 gene, results from an A to C substitution at nucleotide position 2156. The lysine at codon 719 is replaced by threonine, an amino acid with similar properties. This amino acid position is poorly conserved in available vertebrate species. In addition, the in silico prediction for this alteration is inconclusive. Based on the available evidence, the clinical significance of this alteration remains unclear.

University of Washington Department of Laboratory Medicine, University of Washington
Classification: Likely benign for Hereditary cancer-predisposing syndrome. Last evaluated: 2023-03-23. Review status: criteria provided, single submitter. Criteria: Dines et al. (Genet Med. 2020). Collection method: curation. Allele origin: germline.
Comment: Missense variant in a coldspot region where missense variants are very unlikely to be pathogenic (PMID:31911673).

BRCA1 coldspot (exon 11 using historical exon numbering). Reclassification based on statistical prior probability

Color Diagnostics, LLC DBA Color Health
Classification: Uncertain significance for Hereditary cancer-predisposing syndrome. Last evaluated: 2019-05-16. Review status: criteria provided, single submitter. Criteria: ACMG Guidelines, 2015. Collection method: clinical testing. Allele origin: germline.

NM_007294.4(BRCA1):c.2156A>C (p.Lys719Thr)

Gene: BRCA1 (BRCA1 DNA repair associated; minus strand). Cytogenetic location: 17q21.31.
Variant type: single nucleotide variant.
Coding change: c.2156A>C on transcript NM_007294.4 (MANE Select); coding-DNA position 2156, A replaced by C.
Protein change: p.Lys719Thr; replaces lysine 719 with threonine.
Molecular consequence: missense variant. On other transcripts: intron variant (137).
Genome position (GRCh38, 1-based): chr17:43,093,375, T>G on the plus strand (A>C on the coding strand, the complement: BRCA1 is on the minus strand). VCF-style: chr17-43093375-T-G. GRCh37 (hg19) VCF-style: chr17-41245392-T-G.
Other names: c.2033A>C, p.Lys678Thr (NM_001407675.1, NM_001407676.1, NM_001407677.1 and 19 more transcripts); c.2156A>C, p.Lys719Thr (NM_001407684.1, NM_001407854.1, NM_001407858.1 and 30 more transcripts); c.2030A>C, p.Lys677Thr (NM_001407685.1, NM_001407686.1, NM_001407687.1 and 11 more transcripts); c.2015A>C, p.Lys672Thr (NM_001407692.1, NM_001407694.1, NM_001407695.1 and 29 more transcripts); c.2012A>C, p.Lys671Thr (NM_001407740.1, NM_001407741.1, NM_001407742.1 and 20 more transcripts); c.1943A>C, p.Lys648Thr (NM_001407853.1, NM_001407571.1, NM_001407894.1 and 9 more transcripts); c.2153A>C, p.Lys718Thr (NM_001407860.1, NM_001407861.1, NM_001407587.1 and 22 more transcripts); c.1955A>C, p.Lys652Thr (NM_001407862.1); and 41 more; short protein forms K719T, K672T, K591T, K631T, K649T, K651T, K671T, K648T.
Identifiers: ClinVar variation 234201 (VCV000234201.10), dbSNP rs876660920, ClinGen allele CA10580632.
Genomic context (GRCh38, chr17:43,093,375, plus strand): 5'-TTAACTGTTTCTAGTTTCTCTTCTTTTTCTTCTCTTGGAAGGCTAGGATTGACAAATTCT[T>G]TAAGTTCACTGGTATTTGAACACTTAGTAAAAGAACCAGGTGCATTTGTTAACTTCAGCT-3'
Protein context (NP_009225.1, residues 709-729): FTKCSNTSEL[Lys719Thr]EFVNPSLPRE